The following is an entry in ClinVar:

ClinVar aggregate classification (germline): Conflicting classifications of pathogenicity. Review status: criteria provided, conflicting classifications (1 of 4 stars). 2 submissions from 2 submitters: Likely pathogenic (1); Uncertain significance (1). Last evaluated 2025-08-14.

Conditions:
Inborn genetic diseases. Identifiers: MedGen C0950123, MeSH D030342.
Jeune thoracic dystrophy. Also called: Jeune syndrome; Infantile thoracic dystrophy; Thoracic pelvic phalangeal dystrophy; Jeune's syndrome; Chondroectodermal dysplasia-like syndrome; Short-rib thoracic dysplasia. Identifiers: Orphanet 474, MedGen C0265275, MONDO:0018770.

gnomAD v4.1: 8 of 1,612,468 alleles (0.0005%); highest among the groups gnomAD compares: Admixed American, 0.013%; no homozygotes.

Submissions (2):

Labcorp Genetics (formerly Invitae), Labcorp
Classification: Likely pathogenic for Jeune thoracic dystrophy. Last evaluated: 2025-08-14. Review status: criteria provided, single submitter. Criteria: Invitae Variant Classification Sherloc (09022015). Collection method: clinical testing. Allele origin: germline.
Comment: This sequence change replaces proline, which is neutral and non-polar, with leucine, which is neutral and non-polar, at codon 4144 of the DYNC2H1 protein (p.Pro4144Leu). This variant is present in population databases (rs761765709, gnomAD 0.02%). This variant has not been reported in the literature in individuals affected with DYNC2H1-related conditions. ClinVar contains an entry for this variant (Variation ID: 2362331). Invitae Evidence Modeling of protein sequence and biophysical properties (such as structural, functional, and spatial information, amino acid conservation, physicochemical variation, residue mobility, and thermodynamic stability) indicates that this missense variant is expected to disrupt DYNC2H1 protein function with a positive predictive value of 95%. This variant disrupts the p.Pro4144 amino acid residue in DYNC2H1. Other variant(s) that disrupt this residue have been determined to be pathogenic (PMID: 29068549, 30655312, 30773290). This suggests that this residue is clinically significant, and that variants that disrupt this residue are likely to be disease-causing. In summary, the currently available evidence indicates that the variant is pathogenic, but additional data are needed to prove that conclusively. Therefore, this variant has been classified as Likely Pathogenic.

Ambry Genetics
Classification: Uncertain significance for Inborn genetic diseases. Last evaluated: 2024-08-04. Review status: criteria provided, single submitter. Criteria: Ambry Variant Classification Scheme 2023. Collection method: clinical testing. Allele origin: germline.

Literature cited by the submitters: PubMed 29068549 (cited by Labcorp Genetics (formerly Invitae), Labcorp); PubMed 30655312 (cited by Labcorp Genetics (formerly Invitae), Labcorp); PubMed 30773290 (cited by Labcorp Genetics (formerly Invitae), Labcorp).

NM_001377.3(DYNC2H1):c.12410C>T (p.Pro4137Leu)

Gene: DYNC2H1 (dynein cytoplasmic 2 heavy chain 1; plus strand). Cytogenetic location: 11q22.3.
Variant type: single nucleotide variant.
Coding change: c.12410C>T on transcript NM_001377.3 (MANE Select); coding-DNA position 12410, C replaced by T.
Protein change: p.Pro4137Leu; replaces proline 4137 with leucine.
Molecular consequence: missense variant.
Genome position (GRCh38, 1-based): chr11:103,435,986, C>T. VCF-style: chr11-103435986-C-T. GRCh37 (hg19) VCF-style: chr11-103306714-C-T.
Other names: c.12431C>T, p.Pro4144Leu (NM_001080463.2); short protein forms P4137L, P4144L.
Identifiers: ClinVar variation 2362331 (VCV002362331.6), dbSNP rs761765709, ClinGen allele CA6255546.